The following is an entry in ClinVar:

ClinVar aggregate classification (germline): Uncertain significance (1 of 4 stars; one submission).

Conditions:
Baller-Gerold syndrome (BGS). Also called: CRANIOSYNOSTOSIS WITH RADIAL DEFECTS. Identifiers: Orphanet 1225, MedGen C0265308, MONDO:0009039, OMIM 218600.

Allele frequency attached by ClinVar (database versions not stated): gnomAD exomes below 0.00001; gnomAD 0.00001; TOPMed 0.00003; ESP Exome Variant Server 0.00008.

Submission:

Labcorp Genetics (formerly Invitae), Labcorp
Classification: Uncertain significance for Baller-Gerold syndrome. Last evaluated: 2023-06-14. Review status: criteria provided, single submitter. Criteria: Invitae Variant Classification Sherloc (09022015). Collection method: clinical testing. Allele origin: germline.
Comment: This sequence change replaces glutamine, which is neutral and polar, with glutamic acid, which is acidic and polar, at codon 181 of the RECQL4 protein (p.Gln181Glu). In summary, the available evidence is currently insufficient to determine the role of this variant in disease. Therefore, it has been classified as a Variant of Uncertain Significance. Advanced modeling of protein sequence and biophysical properties (such as structural, functional, and spatial information, amino acid conservation, physicochemical variation, residue mobility, and thermodynamic stability) performed at Invitae indicates that this missense variant is not expected to disrupt RECQL4 protein function. This variant has not been reported in the literature in individuals affected with RECQL4-related conditions. This variant is not present in population databases (gnomAD no frequency).

NM_004260.4(RECQL4):c.541C>G (p.Gln181Glu)

Gene: RECQL4 (RecQ like helicase 4; minus strand). Cytogenetic location: 8q24.3.
Variant type: single nucleotide variant.
Coding change: c.541C>G on transcript NM_004260.4 (MANE Select); coding-DNA position 541, C replaced by G.
Protein change: p.Gln181Glu; replaces glutamine 181 with glutamic acid.
Molecular consequence: missense variant. On other transcripts: 5 prime UTR variant (15), non-coding transcript variant (3), intron variant (3).
Genome position (GRCh38, 1-based): chr8:144,516,578, G>C on the plus strand (C>G on the coding strand, the complement: RECQL4 is on the minus strand). VCF-style: chr8-144516578-G-C. GRCh37 (hg19) VCF-style: chr8-145741962-G-C.
Other names: c.541C>G, p.Gln181Glu (NM_001413017.1, NM_001413018.1, NM_001413019.1 and 4 more transcripts); c.-531C>G (NM_001413022.1, NM_001413023.1, NM_001413024.1 and 5 more transcripts); c.412C>G, p.Gln138Glu (NM_001413025.1); c.-593C>G (NM_001413027.1, NM_001413030.1, NM_001413031.1 and 2 more transcripts); c.-435C>G (NM_001413034.1); c.-800C>G (NM_001413043.1); c.355-165C>G (NM_001413029.1); c.-366-165C>G (NM_001413021.1); and 1 more; short protein forms Q138E, Q181E.
Identifiers: ClinVar variation 2713638 (VCV002713638.3), dbSNP rs375356144, ClinGen allele CA4949257.